The following is an entry in ClinVar:

NM_000516.7(GNAS):c.257+970_257+972del

Gene: GNAS (GNAS complex locus; plus strand). Cytogenetic location: 20q13.32.
Variant type: Microsatellite.
Coding change: c.257+970_257+972del on transcript NM_000516.7 (MANE Select); bases 970 to 972 of the intron after coding-DNA position 257, 3 bases deleted (ATA; older notation c.257+970_257+972delATA).
Molecular consequence: intron variant. On other transcripts: stop lost (1), 3 prime UTR variant (1), non-coding transcript variant (2).
Genome position (GRCh38, 1-based): chr20:58,899,955-58,899,957, ATA deleted; deleting any 3 consecutive bases within chr20:58,899,952-58,899,957 gives the same sequence; the c. name uses the placement nearest the transcript's 3' end. VCF-style (leftmost placement, unchanged base first): chr20-58899951-TATA-T. GRCh37 (hg19) VCF-style: chr20-57475006-TATA-T.
Other names: c.2186+970_2186+972del (NM_080425.3, NM_080425.4); c.261ATA[1], p.Ter88Xaa (NM_001309842.2); c.*280ATA[1] (NM_001309883.1); c.*160+970_*160+972del (NM_016592.5); c.161+970_161+972del (NM_001410912.1); c.80+970_80+972del (NM_001309861.2, NM_001309840.2); c.*118+970_*118+972del (NM_001077490.3); c.2142-3576_2142-3574del (NM_001410913.1); and 3 more.
Identifiers: ClinVar variation 3044414 (VCV003044414.3), dbSNP rs1174800950, ClinGen allele CA636225775.

ClinVar aggregate classification (germline): Uncertain significance. Review status: criteria provided, single submitter (1 of 4 stars). 2 submissions from 2 submitters: Uncertain significance (1). 1 of the submissions does not count toward it. Last evaluated 2024-03-29.

Conditions:
GNAS-related disorder. Identifiers: MedGen CN380105.
Pseudohypoparathyroidism type 1B (PHP1B). Also called: Pseudohypoparathyroidism Type IB; PHP IB; Pseudohypoparathyroidism Ib (PHP-Ib). Identifiers: Orphanet 94089, MedGen C1864100, MONDO:0011301, OMIM 603233.

Submissions (2):

Genomic Medicine Center of Excellence, King Faisal Specialist Hospital and Research Centre
Classification: Uncertain significance for Pseudohypoparathyroidism type 1B. Last evaluated: 2024-03-29. Review status: criteria provided, single submitter. Criteria: ACMG Guidelines, 2015. Collection method: clinical testing. Allele origin: germline.

PreventionGenetics, part of Exact Sciences
Classification: Uncertain significance for GNAS-related condition. Last evaluated: 2024-01-23. Review status: no assertion criteria provided. Collection method: clinical testing. Allele origin: germline. Not counted in ClinVar's aggregate classification.
Comment: The GNAS c.264_*2delATA variant is predicted to result in extension of the open reading frame (p.*88Tyrext*2). This variant corresponds to an intronic position in the primary GNAS transcript (NM_000516.7:c.257+970_257+972del). To our knowledge, this variant has not been reported in the literature. This variant is reported in 0.0053% of alleles in individuals of European (Non-Finnish) descent in gnomAD. At this time, the clinical significance of this variant is uncertain due to the absence of conclusive functional and genetic evidence.